The following is an entry in ClinVar:

NM_014159.7(SETD2):c.722C>G (p.Pro241Arg)

Gene: SETD2 (SET domain containing 2, histone lysine methyltransferase; minus strand). Cytogenetic location: 3p21.31.
Variant type: single nucleotide variant.
Coding change: c.722C>G on transcript NM_014159.7 (MANE Select); coding-DNA position 722, C replaced by G.
Protein change: p.Pro241Arg; replaces proline 241 with arginine.
Molecular consequence: missense variant. On other transcripts: non-coding transcript variant (1).
Genome position (GRCh38, 1-based): chr3:47,123,914, G>C on the plus strand (C>G on the coding strand, the complement: SETD2 is on the minus strand). VCF-style: chr3-47123914-G-C. GRCh37 (hg19) VCF-style: chr3-47165404-G-C.
Other names: c.590C>G, p.Pro197Arg (NM_001349370.3); short protein forms P197R, P241R.
Identifiers: ClinVar variation 953761 (VCV000953761.6), dbSNP rs2043214840, ClinGen allele CA352535139.

ClinVar aggregate classification (germline): Uncertain significance (1 of 4 stars; one submission).

Conditions:
Luscan-Lumish syndrome. Identifiers: Orphanet 597738, MedGen C4085873, MONDO:0014791, OMIM 616831.

Submission:

Labcorp Genetics (formerly Invitae), Labcorp
Classification: Uncertain significance for Luscan-Lumish syndrome. Last evaluated: 2019-10-29. Review status: criteria provided, single submitter. Criteria: Invitae Variant Classification Sherloc (09022015). Collection method: clinical testing. Allele origin: germline.
Comment: This sequence change replaces proline with arginine at codon 241 of the SETD2 protein (p.Pro241Arg). The proline residue is moderately conserved and there is a moderate physicochemical difference between proline and arginine. This variant is not present in population databases (ExAC no frequency). In summary, the available evidence is currently insufficient to determine the role of this variant in disease. Therefore, it has been classified as a Variant of Uncertain Significance. Algorithms developed to predict the effect of missense changes on protein structure and function (SIFT, PolyPhen-2, Align-GVGD) all suggest that this variant is likely to be tolerated, but these predictions have not been confirmed by published functional studies and their clinical significance is uncertain. This variant has not been reported in the literature in individuals with SETD2-related conditions.